The following is an entry in ClinVar:

NM_000124.4(ERCC6):c.3571_3572insATCGT (p.Ala1191fs)

Gene: ERCC6 (ERCC excision repair 6, chromatin remodeling factor; minus strand). Cytogenetic location: 10q11.23.
Variant type: Insertion.
Coding change: c.3571_3572insATCGT on transcript NM_000124.4 (MANE Select); coding-DNA positions 3571 to 3572, ATCGT inserted.
Protein change: p.Ala1191fs; shifts the reading frame from alanine 1191.
Molecular consequence: frameshift variant.
Genome position: GRCh38 VCF-style: chr10-49470388-G-GACGAT. GRCh37 (hg19) VCF-style: chr10-50678434-G-GACGAT.
Other names: c.3571_3572insATCGT, p.Ala1191fs (NM_001346440.2); short protein forms A1191fs.
Identifiers: ClinVar variation 1724937 (VCV001724937.2), dbSNP rs2495971341, ClinGen allele CA2580081539.

ClinVar aggregate classification (germline): Likely pathogenic (1 of 4 stars; one submission).

Conditions:
Cockayne syndrome type 2 (CSB). Also called: COCKAYNE SYNDROME B; Cockayne Syndrome, Type II. Identifiers: Orphanet 191, Orphanet 90322, MedGen C0751038, MONDO:0019570, OMIM 133540.

Submission:

Myriad Genetics, Inc.
Classification: Likely pathogenic for Cockayne syndrome type 2. Last evaluated: 2022-03-03. Review status: criteria provided, single submitter. Criteria: Myriad Women's Health Autosomal Recessive and X-Linked Classification Criteria (2021). Collection method: clinical testing. Allele origin: unknown.
Comment: NM_000124.2(ERCC6):c.3571_3572ins5(A1191Dfs*12) is expected to be pathogenic in the context of ERCC6-related disorders. This variant is predicted to lead to an abnormal or absent protein product due to the creation of a premature termination codon in ERCC6, a gene where loss-of-function variants are known to be pathogenic. Please note: this variant was assessed in the context of healthy population screening.